The following is an entry in ClinVar:

ClinVar aggregate classification (germline): Uncertain significance. Review status: criteria provided, multiple submitters, no conflicts (2 of 4 stars). 2 submissions from 2 submitters: Uncertain significance (2). Last evaluated 2024-09-27.

Conditions:
Dilated cardiomyopathy 1DD (CMD1DD). Identifiers: Orphanet 154, MedGen C2750995, MONDO:0013168, OMIM 613172.

Allele frequency attached by ClinVar (database versions not stated): gnomAD 0.00001; TOPMed 0.00001.
gnomAD v4.1: 15 of 1,550,832 alleles (0.00097%); highest among the groups gnomAD compares: Non-Finnish European, 0.0013%; no homozygotes.

Submissions (2):

Labcorp Genetics (formerly Invitae), Labcorp
Classification: Uncertain significance for Dilated cardiomyopathy 1DD. Last evaluated: 2024-09-27. Review status: criteria provided, single submitter. Criteria: Invitae Variant Classification Sherloc (09022015). Collection method: clinical testing. Allele origin: germline.
Comment: This sequence change replaces glutamine, which is neutral and polar, with lysine, which is basic and polar, at codon 1191 of the RBM20 protein (p.Gln1191Lys). This variant is present in population databases (no rsID available, gnomAD 0.005%). This variant has not been reported in the literature in individuals affected with RBM20-related conditions. ClinVar contains an entry for this variant (Variation ID: 653390). An algorithm developed to predict the effect of missense changes on protein structure and function (PolyPhen-2) suggests that this variant is likely to be disruptive. In summary, the available evidence is currently insufficient to determine the role of this variant in disease. Therefore, it has been classified as a Variant of Uncertain Significance.

Fulgent Genetics
Classification: Uncertain significance for Dilated cardiomyopathy 1DD. Last evaluated: 2021-11-05. Review status: criteria provided, single submitter. Criteria: ACMG Guidelines, 2015. Collection method: clinical testing. Allele origin: unknown.

NM_001134363.3(RBM20):c.3571C>A (p.Gln1191Lys)

Gene: RBM20 (RNA binding motif protein 20; plus strand). Cytogenetic location: 10q25.2.
Variant type: single nucleotide variant.
Coding change: c.3571C>A on transcript NM_001134363.3 (MANE Select); coding-DNA position 3571, C replaced by A.
Protein change: p.Gln1191Lys; replaces glutamine 1191 with lysine.
Molecular consequence: missense variant.
Genome position (GRCh38, 1-based): chr10:110,831,180, C>A. VCF-style: chr10-110831180-C-A. GRCh37 (hg19) VCF-style: chr10-112590938-C-A.
Other names: short protein forms Q1191K.
Identifiers: ClinVar variation 653390 (VCV000653390.6), dbSNP rs1338307495, ClinGen allele CA378386801.